The following is an entry in ClinVar:

ClinVar aggregate classification (germline): Likely benign. Review status: criteria provided, multiple submitters, no conflicts (2 of 4 stars). 2 submissions from 2 submitters: Likely benign (2). Last evaluated 2026-01-21.

Conditions:
BAP1-related tumor predisposition syndrome (TPDS1). Also called: Tumor susceptibility linked to germline BAP1 mutations; COMMON Syndrome; TUMOR PREDISPOSITION SYNDROME 1; BAP1 tumor predisposition syndrome. Identifiers: Orphanet 289539, MedGen C3280492, MONDO:0013692, OMIM 614327.

Submissions (2):

Labcorp Genetics (formerly Invitae), Labcorp
Classification: Likely benign for BAP1-related tumor predisposition syndrome. Last evaluated: 2026-01-21. Review status: criteria provided, single submitter. Criteria: Invitae Variant Classification Sherloc (09022015). Collection method: clinical testing. Allele origin: germline.

Myriad Genetics, Inc.
Classification: Likely benign for BAP1-related tumor predisposition syndrome. Last evaluated: 2024-07-15. Review status: criteria provided, single submitter. Criteria: Myriad Autosomal Dominant, Autosomal Recessive and X-Linked Classification Criteria (2023). Collection method: clinical testing. Allele origin: unknown.
Comment: This variant is considered likely benign. This variant is intronic and is not expected to impact mRNA splicing.

NM_004656.4(BAP1):c.784-10C>T

Gene: BAP1 (BRCA1 associated deubiquitinase 1; minus strand). Cytogenetic location: 3p21.1.
Variant type: single nucleotide variant.
Coding change: c.784-10C>T on transcript NM_004656.4 (MANE Select); 10 bases into the intron before coding-DNA position 784, C replaced by T.
Molecular consequence: intron variant.
Genome position (GRCh38, 1-based): chr3:52,405,922, G>A on the plus strand (C>T on the coding strand, the complement: BAP1 is on the minus strand). VCF-style: chr3-52405922-G-A. GRCh37 (hg19) VCF-style: chr3-52439938-G-A.
Identifiers: ClinVar variation 1649006 (VCV001649006.9), dbSNP rs2153227296, ClinGen allele CA2573137338.